The following is an entry in ClinVar:

NM_004667.6(HERC2):c.13036C>A (p.Leu4346Met)

Gene: HERC2 (HECT and RLD domain containing E3 ubiquitin protein ligase 2; minus strand). Cytogenetic location: 15q13.1.
Variant type: single nucleotide variant.
Coding change: c.13036C>A on transcript NM_004667.6 (MANE Select); coding-DNA position 13036, C replaced by A.
Protein change: p.Leu4346Met; replaces leucine 4346 with methionine.
Molecular consequence: missense variant.
Genome position (GRCh38, 1-based): chr15:28,124,189, G>T on the plus strand (C>A on the coding strand, the complement: HERC2 is on the minus strand). VCF-style: chr15-28124189-G-T. GRCh37 (hg19) VCF-style: chr15-28369335-G-T.
Other names: short protein forms L4346M.
Identifiers: ClinVar variation 1315829 (VCV001315829.2), dbSNP rs1889225611, ClinGen allele CA391373023.

ClinVar aggregate classification (germline): Uncertain significance (1 of 4 stars; one submission).

Submission:

GeneDx
Classification: Uncertain significance. Last evaluated: 2019-09-25. Review status: criteria provided, single submitter. Criteria: GeneDx Variant Classification Process June 2021. Collection method: clinical testing. Allele origin: germline. Affected: yes.
Comment: Not observed in large population cohorts (Lek et al., 2016); In silico analysis, which includes protein predictors and evolutionary conservation, supports that this variant does not alter protein structure/function; Has not been previously published as pathogenic or benign to our knowledge